The following is an entry in ClinVar:

NM_022098.4(XPNPEP3):c.*5547C>G

Gene: XPNPEP3 (X-prolyl aminopeptidase 3; plus strand). Cytogenetic location: 22q13.2.
Variant type: single nucleotide variant.
Coding change: c.*5547C>G on transcript NM_022098.4 (MANE Select); 5547 bases downstream of the stop codon, C replaced by G.
Molecular consequence: 3 prime UTR variant.
Genome position (GRCh38, 1-based): chr22:40,931,982, C>G. VCF-style: chr22-40931982-C-G. GRCh37 (hg19) VCF-style: chr22-41327986-C-G.
Identifiers: ClinVar variation 901365 (VCV000901365.4), dbSNP rs191415641, ClinGen allele CA324455684.

ClinVar aggregate classification (germline): Likely benign (1 of 4 stars; one submission).

Conditions:
Nephronophthisis-like nephropathy 1 (NPHPL1). Identifiers: Orphanet 655, MedGen C3150419, MONDO:0013163, OMIM 613159.

Allele frequency attached by ClinVar (database versions not stated): 1000 Genomes Project 30x 0.00078; 1000 Genomes Project 0.00080; TOPMed 0.00198; gnomAD 0.00218 and 0.00224.

Submission:

Illumina Laboratory Services, Illumina
Classification: Likely benign for Nephronophthisis-like nephropathy 1. Last evaluated: 2018-01-12. Review status: criteria provided, single submitter. Criteria: ICSL Variant Classification Criteria 13 December 2019. Collection method: clinical testing. Allele origin: germline.
Comment: This variant was observed in the ICSL laboratory as part of a predisposition screen in an ostensibly healthy population. It had not been previously curated by ICSL or reported in the Human Gene Mutation Database (HGMD: prior to June 1st, 2018), and was therefore a candidate for classification through an automated scoring system. Utilizing variant allele frequency, disease prevalence and penetrance estimates, and inheritance mode, an automated score was calculated to assess if this variant is too frequent to cause the disease. Based on the score and internal cut-off values, a variant classified as likely benign is not then subjected to further curation. The score for this variant resulted in a classification of likely benign for this disease.